The following is an entry in ClinVar:

ClinVar aggregate classification (germline): Uncertain significance (1 of 4 stars; one submission).

Submission:

GeneDx
Classification: Uncertain significance. Last evaluated: 2024-05-22. Review status: criteria provided, single submitter. Criteria: GeneDx Variant Classification Process June 2021. Collection method: clinical testing. Allele origin: germline. Affected: yes.
Comment: Not observed at significant frequency in large population cohorts (gnomAD); In silico analysis indicates that this missense variant does not alter protein structure/function; Has not been previously published as pathogenic or benign to our knowledge

NM_001367721.1(CASK):c.1212T>G (p.Asp404Glu)

Gene: CASK (calcium/calmodulin dependent serine protein kinase; minus strand). Cytogenetic location: Xp11.4.
Variant type: single nucleotide variant.
Coding change: c.1212T>G on transcript NM_001367721.1 (MANE Select); coding-DNA position 1212, T replaced by G.
Protein change: p.Asp404Glu; replaces aspartic acid 404 with glutamic acid.
Molecular consequence: missense variant.
Genome position (GRCh38, 1-based): chrX:41,589,536, A>C on the plus strand (T>G on the coding strand, the complement: CASK is on the minus strand). VCF-style: chrX-41589536-A-C. GRCh37 (hg19) VCF-style: chrX-41448789-A-C.
Other names: c.1212T>G, p.Asp404Glu (NM_001126054.3, NM_003688.4); c.1194T>G, p.Asp398Glu (NM_001126055.3, NM_001410745.1); short protein forms D398E, D404E.
Identifiers: ClinVar variation 3381307 (VCV003381307.1).